The following is an entry in ClinVar:

ClinVar aggregate classification (germline): Benign/Likely benign. Review status: criteria provided, multiple submitters, no conflicts (2 of 4 stars). 5 submissions from 5 submitters: Benign (1); Likely benign (3). 1 of the submissions does not count toward it. Last evaluated 2026-02-03.

Conditions:
BARD1-related disorder. Also called: BARD1-related condition.
Familial cancer of breast. Also called: Hereditary breast cancer; hereditary breast carcinoma; BREAST CANCER, FAMILIAL. Identifiers: Orphanet 227535, MedGen C0346153, MONDO:0016419, OMIM 114480. Disease mechanism: loss of function.
Hereditary cancer-predisposing syndrome. Also called: Neoplastic Syndromes, Hereditary; Tumor predisposition; Hereditary Cancer Syndrome; Hereditary neoplastic syndrome. Identifiers: Orphanet 140162, MedGen C0027672, MeSH D009386, MONDO:0015356.

Allele frequency attached by ClinVar (database versions not stated): gnomAD exomes below 0.00001 and 0.00001; ExAC 0.00001; gnomAD 0.00001; TOPMed 0.00002.
gnomAD v4.1: 4 of 1,614,100 alleles (0.00025%); highest among the groups gnomAD compares: African/African-American, 0.0053%; no homozygotes.

Submissions (5):

Labcorp Genetics (formerly Invitae), Labcorp
Classification: Likely benign for Familial cancer of breast. Last evaluated: 2026-02-03. Review status: criteria provided, single submitter. Criteria: Invitae Variant Classification Sherloc (09022015). Collection method: clinical testing. Allele origin: germline.

Myriad Genetics, Inc.
Classification: Benign for Familial cancer of breast. Last evaluated: 2024-07-24. Review status: criteria provided, single submitter. Criteria: Myriad Autosomal Dominant, Autosomal Recessive and X-Linked Classification Criteria (2023). Collection method: clinical testing. Allele origin: unknown.
Comment: This variant is considered benign. This variant is a silent/synonymous amino acid change and it is not expected to impact splicing.

Ambry Genetics
Classification: Likely benign for Hereditary cancer-predisposing syndrome. Last evaluated: 2018-03-08. Review status: criteria provided, single submitter. Criteria: Ambry Variant Classification Scheme 2023. Collection method: clinical testing. Allele origin: germline.

Quest Diagnostics Nichols Institute San Juan Capistrano
Classification: Likely benign. Last evaluated: 2018-01-05. Review status: criteria provided, single submitter. Criteria: Quest Diagnostics criteria. Collection method: clinical testing. Allele origin: germline.

PreventionGenetics, part of Exact Sciences
Classification: Likely benign for BARD1-related condition. Last evaluated: 2021-06-30. Review status: no assertion criteria provided. Collection method: clinical testing. Allele origin: germline. Not counted in ClinVar's aggregate classification.
Comment: This variant is classified as likely benign based on ACMG/AMP sequence variant interpretation guidelines (Richards et al. 2015 PMID: 25741868, with internal and published modifications).

NM_000465.4(BARD1):c.1218A>T (p.Arg406=)

Gene: BARD1 (BRCA1 associated RING domain 1; minus strand). Cytogenetic location: 2q35.
Variant type: single nucleotide variant.
Coding change: c.1218A>T on transcript NM_000465.4 (MANE Select); coding-DNA position 1218, A replaced by T.
Protein change: p.Arg406=; no amino-acid change (arginine 406 retained).
Molecular consequence: synonymous variant. On other transcripts: non-coding transcript variant (2), intron variant (3).
Genome position (GRCh38, 1-based): chr2:214,780,656, T>A on the plus strand (A>T on the coding strand, the complement: BARD1 is on the minus strand). VCF-style: chr2-214780656-T-A. GRCh37 (hg19) VCF-style: chr2-215645380-T-A.
Other names: c.1161A>T, p.Arg387= (NM_001282543.2); c.159-28101A>T (NM_001282548.2); c.215+16405A>T (NM_001282545.2); c.364+11641A>T (NM_001282549.2).
Identifiers: ClinVar variation 414118 (VCV000414118.22), dbSNP rs757900534, ClinGen allele CA2090323.